The following is an entry in ClinVar:

ClinVar aggregate classification (germline): Uncertain significance. Review status: criteria provided, multiple submitters, no conflicts (2 of 4 stars). 3 submissions from 3 submitters: Uncertain significance (3). Last evaluated 2026-03-16.

Conditions:
Inborn genetic diseases. Identifiers: MedGen C0950123, MeSH D030342.

Allele frequency attached by ClinVar (database versions not stated): ExAC 0.00002; gnomAD exomes 0.00002; gnomAD 0.00005; TOPMed 0.00011.
gnomAD v4.1: 38 of 1,613,388 alleles (0.0024%); highest among the groups gnomAD compares: Admixed American, 0.062%; no homozygotes.

Submissions (3):

Women's Health and Genetics/Laboratory Corporation of America, LabCorp
Classification: Uncertain significance. Last evaluated: 2026-03-16. Review status: criteria provided, single submitter. Criteria: LabCorp Variant Classification Summary - May 2015. Collection method: clinical testing. Allele origin: germline.
Comment: Variant summary: ADAMTS13 c.3709A>G (p.Ser1237Gly) results in a non-conservative amino acid change in the encoded protein sequence. Algorithms developed to predict the effect of missense changes on protein structure and function are either unavailable or do not agree on the potential impact of this missense change. The variant allele was found at a frequency of 7.2e-05 in 250406 control chromosomes. This frequency is not significantly higher than estimated for disease-causing variants in ADAMTS13, allowing no conclusion about variant significance. To our knowledge, no occurrence of c.3709A>G in individuals affected with ADAMTS13-related conditions and no experimental evidence demonstrating its impact on protein function have been reported. ClinVar contains an entry for this variant (Variation ID: 2086353). Based on the evidence outlined above, the variant was classified as uncertain significance.

Ambry Genetics
Classification: Uncertain significance for Inborn genetic diseases. Last evaluated: 2025-11-06. Review status: criteria provided, single submitter. Criteria: Ambry Variant Classification Scheme 2023. Collection method: clinical testing. Allele origin: germline.

Labcorp Genetics (formerly Invitae), Labcorp
Classification: Uncertain significance. Last evaluated: 2022-09-07. Review status: criteria provided, single submitter. Criteria: Invitae Variant Classification Sherloc (09022015). Collection method: clinical testing. Allele origin: germline.
Comment: This sequence change replaces serine, which is neutral and polar, with glycine, which is neutral and non-polar, at codon 1237 of the ADAMTS13 protein (p.Ser1237Gly). This variant is present in population databases (rs781787130, gnomAD 0.05%). This variant has not been reported in the literature in individuals affected with ADAMTS13-related conditions. Algorithms developed to predict the effect of missense changes on protein structure and function (SIFT, PolyPhen-2, Align-GVGD) all suggest that this variant is likely to be tolerated. In summary, the available evidence is currently insufficient to determine the role of this variant in disease. Therefore, it has been classified as a Variant of Uncertain Significance.

NM_139027.6(ADAMTS13):c.3541A>G (p.Ser1181Gly)

Gene: ADAMTS13 (ADAM metallopeptidase with thrombospondin type 1 motif 13; plus strand). Cytogenetic location: 9q34.2.
Variant type: single nucleotide variant.
Coding change: c.3541A>G on transcript NM_139027.6 (MANE Select); coding-DNA position 3541, A replaced by G.
Protein change: p.Ser1181Gly; replaces serine 1181 with glycine.
Molecular consequence: missense variant. On other transcripts: non-coding transcript variant (1).
Genome position (GRCh38, 1-based): chr9:133,456,209, A>G. VCF-style: chr9-133456209-A-G. GRCh37 (hg19) VCF-style: chr9-136321331-A-G.
Other names: c.3709A>G, p.Ser1237Gly (NM_139025.5); c.3448A>G, p.Ser1150Gly (NM_139026.6); short protein forms S1237G, S1181G, S1150G.
Identifiers: ClinVar variation 2086353 (VCV002086353.4), dbSNP rs781787130, ClinGen allele CA200944877.